The following is an entry in ClinVar:

NM_001160148.2(DDHD1):c.1334A>G (p.Asn445Ser)

Gene: DDHD1 (DDHD domain containing 1; minus strand). Cytogenetic location: 14q22.1.
Variant type: single nucleotide variant.
Coding change: c.1334A>G on transcript NM_001160148.2 (MANE Select); coding-DNA position 1334, A replaced by G.
Protein change: p.Asn445Ser; replaces asparagine 445 with serine.
Molecular consequence: missense variant.
Genome position (GRCh38, 1-based): chr14:53,073,803, T>C on the plus strand (A>G on the coding strand, the complement: DDHD1 is on the minus strand). VCF-style: chr14-53073803-T-C. GRCh37 (hg19) VCF-style: chr14-53540521-T-C.
Other names: c.1355A>G, p.Asn452Ser (NM_001160147.2); c.1334A>G, p.Asn445Ser (NM_030637.3); short protein forms N452S, N445S.
Identifiers: ClinVar variation 532959 (VCV000532959.1), dbSNP rs772863841, ClinGen allele CA7191264.

ClinVar aggregate classification (germline): Uncertain significance (1 of 4 stars; one submission).

Conditions:
Hereditary spastic paraplegia 28. Also called: Spastic paraplegia 28, autosomal recessive. Identifiers: Orphanet 101008, MedGen C1836295, MONDO:0012256, OMIM 609340.

Allele frequency attached by ClinVar (database versions not stated): gnomAD exomes 0.00001; ExAC 0.00002.
gnomAD v4.1: 18 of 1,611,178 alleles (0.0011%); highest among the groups gnomAD compares: Non-Finnish European, 0.0014%; no homozygotes.

Submission:

Labcorp Genetics (formerly Invitae), Labcorp
Classification: Uncertain significance for Hereditary spastic paraplegia 28. Last evaluated: 2017-11-29. Review status: criteria provided, single submitter. Criteria: Invitae Variant Classification Sherloc (09022015). Collection method: clinical testing. Allele origin: germline.
Comment: This sequence change replaces asparagine with serine at codon 452 of the DDHD1 protein (p.Asn452Ser). The asparagine residue is moderately conserved and there is a small physicochemical difference between asparagine and serine. This variant is present in population databases (rs772863841, ExAC 0.003%). This variant has not been reported in the literature in individuals with DDHD1-related disease. Algorithms developed to predict the effect of missense changes on protein structure and function (SIFT, PolyPhen-2, Align-GVGD) all suggest that this variant is likely to be tolerated, but these predictions have not been confirmed by published functional studies and their clinical significance is uncertain. In summary, the available evidence is currently insufficient to determine the role of this variant in disease. Therefore, it has been classified as a Variant of Uncertain Significance.